The following is an entry in ClinVar:

NM_000038.6(APC):c.1803G>C (p.Glu601Asp)

Gene: APC (APC regulator of Wnt signaling pathway; plus strand). Cytogenetic location: 5q22.2.
Variant type: single nucleotide variant.
Coding change: c.1803G>C on transcript NM_000038.6 (MANE Select); coding-DNA position 1803, G replaced by C.
Protein change: p.Glu601Asp; replaces glutamic acid 601 with aspartic acid.
Molecular consequence: missense variant.
Genome position (GRCh38, 1-based): chr5:112,835,010, G>C. VCF-style: chr5-112835010-G-C. GRCh37 (hg19) VCF-style: chr5-112170707-G-C.
Other names: c.1803G>C, p.Glu601Asp (NM_001127510.3, NM_001354895.2); c.1749G>C, p.Glu583Asp (NM_001127511.3); c.1857G>C, p.Glu619Asp (NM_001354896.2); c.1833G>C, p.Glu611Asp (NM_001354897.2); c.1728G>C, p.Glu576Asp (NM_001354898.2); c.1719G>C, p.Glu573Asp (NM_001354899.2); c.1680G>C, p.Glu560Asp (NM_001354900.2); c.1626G>C, p.Glu542Asp (NM_001354901.2); and 5 more; short protein forms E583D, E601D, E441D, E573D, E576D, E500D, E510D, E318D.
Identifiers: ClinVar variation 490226 (VCV000490226.52), dbSNP rs1447250546, ClinGen allele CA16025264.

ClinVar aggregate classification (germline): Conflicting classifications of pathogenicity. Review status: criteria provided, conflicting classifications (1 of 4 stars). 4 submissions from 4 submitters: Uncertain significance (2); Benign (1). 1 of the submissions does not count toward it. Last evaluated 2025-10-25.

Conditions:
Hereditary cancer-predisposing syndrome. Also called: Hereditary Cancer Syndrome; Neoplastic Syndromes, Hereditary; Tumor predisposition; Hereditary neoplastic syndrome. Identifiers: Orphanet 140162, MedGen C0027672, MeSH D009386, MONDO:0015356.
Familial adenomatous polyposis 1 (FAP1). Also called: POLYPOSIS, ADENOMATOUS INTESTINAL; FAMILIAL ADENOMATOUS POLYPOSIS 1, ATTENUATED. Identifiers: MedGen C2713442, MONDO:0021056, OMIM 175100. Disease mechanism: loss of function.
Colon cancer. Also called: Malignant tumor of colon. Identifiers: MedGen C0007102, MONDO:0021063, HP:0003003.

Allele frequency attached by ClinVar (database versions not stated): TOPMed below 0.00001; gnomAD 0.00001; gnomAD exomes 0.00001.
gnomAD v4.1: 1 of 1,613,964 alleles (0.000062%); highest among the groups gnomAD compares: East Asian, 0.0022%; no homozygotes.

Submissions (4):

Labcorp Genetics (formerly Invitae), Labcorp
Classification: Uncertain significance for Familial adenomatous polyposis 1. Last evaluated: 2025-10-25. Review status: criteria provided, single submitter. Criteria: Invitae Variant Classification Sherloc (09022015). Collection method: clinical testing. Allele origin: germline.
Comment: This sequence change replaces glutamic acid, which is acidic and polar, with aspartic acid, which is acidic and polar, at codon 601 of the APC protein (p.Glu601Asp). This variant is present in population databases (no rsID available, gnomAD 0.01%). This variant has not been reported in the literature in individuals affected with APC-related conditions. ClinVar contains an entry for this variant (Variation ID: 490226). Invitae Evidence Modeling of protein sequence and biophysical properties (such as structural, functional, and spatial information, amino acid conservation, physicochemical variation, residue mobility, and thermodynamic stability) indicates that this missense variant is not expected to disrupt APC protein function with a negative predictive value of 95%. In summary, the available evidence is currently insufficient to determine the role of this variant in disease. Therefore, it has been classified as a Variant of Uncertain Significance.

Ambry Genetics
Classification: Benign for Hereditary cancer-predisposing syndrome. Last evaluated: 2025-06-24. Review status: criteria provided, single submitter. Criteria: Ambry Variant Classification Scheme 2023. Collection method: clinical testing. Allele origin: germline.

Color Diagnostics, LLC DBA Color Health
Classification: Uncertain significance for Hereditary cancer-predisposing syndrome. Last evaluated: 2021-02-18. Review status: criteria provided, single submitter. Criteria: ACMG Guidelines, 2015. Collection method: clinical testing. Allele origin: germline.
Comment: This missense variant replaces glutamic acid with aspartic acid at codon 601 of the APC protein. Computational prediction suggests that this variant may not impact protein structure and function (internally defined REVEL score threshold <= 0.5, PMID: 27666373). Splice site prediction tools suggest that this variant may not impact RNA splicing. To our knowledge, functional studies have not been performed for this variant. This variant has not been reported in individuals affected with hereditary cancer in the literature. This variant has been identified in 2/251250 chromosomes in the general population by the Genome Aggregation Database (gnomAD). The available evidence is insufficient to determine the role of this variant in disease conclusively. Therefore, this variant is classified as a Variant of Uncertain Significance.

3DMed Clinical Laboratory Inc
Classification: Uncertain significance for Colon cancer. Last evaluated: 2017-07-26. Review status: no assertion criteria provided. Criteria: ACMG Guidelines, 2015. Collection method: clinical testing. Allele origin: germline. Affected: yes. Not counted in ClinVar's aggregate classification.